The following is an entry in ClinVar:

NM_001099403.2(PRDM8):c.146C>A (p.Thr49Asn)

Gene: PRDM8 (PR/SET domain 8; plus strand). Cytogenetic location: 4q21.21.
Variant type: single nucleotide variant.
Coding change: c.146C>A on transcript NM_001099403.2 (MANE Select); coding-DNA position 146, C replaced by A.
Protein change: p.Thr49Asn; replaces threonine 49 with asparagine.
Molecular consequence: missense variant.
Genome position (GRCh38, 1-based): chr4:80,200,226, C>A. VCF-style: chr4-80200226-C-A. GRCh37 (hg19) VCF-style: chr4-81121380-C-A.
Other names: c.146C>A, p.Thr49Asn (NM_020226.4); short protein forms T49N.
Identifiers: ClinVar variation 848417 (VCV000848417.7), dbSNP rs553212056, ClinGen allele CA2982139.

ClinVar aggregate classification (germline): Uncertain significance. Review status: criteria provided, multiple submitters, no conflicts (2 of 4 stars). 2 submissions from 2 submitters: Uncertain significance (2). Last evaluated 2025-12-15.

Conditions:
Early-onset Lafora body disease. Also called: Epilepsy, progressive myoclonic, 10. Identifiers: Orphanet 324290, MedGen C4225258, MONDO:0014717, OMIM 616640.

Allele frequency attached by ClinVar (database versions not stated): gnomAD exomes 0.00001; ExAC 0.00002; gnomAD 0.00006; TOPMed 0.00013; 1000 Genomes Project 0.00020; 1000 Genomes Project 30x 0.00031.

Submissions (2):

Ambry Genetics
Classification: Uncertain significance. Last evaluated: 2025-12-15. Review status: criteria provided, single submitter. Criteria: Ambry Variant Classification Scheme 2023. Collection method: clinical testing. Allele origin: germline.

Labcorp Genetics (formerly Invitae), Labcorp
Classification: Uncertain significance for Early-onset Lafora body disease. Last evaluated: 2022-03-03. Review status: criteria provided, single submitter. Criteria: Invitae Variant Classification Sherloc (09022015). Collection method: clinical testing. Allele origin: germline.
Comment: This sequence change replaces threonine, which is neutral and polar, with asparagine, which is neutral and polar, at codon 49 of the PRDM8 protein (p.Thr49Asn). This variant is present in population databases (rs553212056, gnomAD 0.02%). This variant has not been reported in the literature in individuals affected with PRDM8-related conditions. ClinVar contains an entry for this variant (Variation ID: 848417). Algorithms developed to predict the effect of missense changes on protein structure and function are either unavailable or do not agree on the potential impact of this missense change (SIFT: "Deleterious"; PolyPhen-2: "Benign"; Align-GVGD: "Class C0"). In summary, the available evidence is currently insufficient to determine the role of this variant in disease. Therefore, it has been classified as a Variant of Uncertain Significance.